The following is an entry in ClinVar:

ClinVar aggregate classification (germline): Uncertain significance (1 of 4 stars; one submission).

Conditions:
Werner syndrome (WRN). Identifiers: Orphanet 902, MedGen C0043119, MONDO:0010196, OMIM 277700.

Submission:

Labcorp Genetics (formerly Invitae), Labcorp
Classification: Uncertain significance for Werner syndrome. Last evaluated: 2023-06-23. Review status: criteria provided, single submitter. Criteria: Invitae Variant Classification Sherloc (09022015). Collection method: clinical testing. Allele origin: germline.
Comment: In summary, the available evidence is currently insufficient to determine the role of this variant in disease. Therefore, it has been classified as a Variant of Uncertain Significance. An algorithm developed to predict the effect of missense changes on protein structure and function (PolyPhen-2) suggests that this variant is likely to be tolerated. This variant has not been reported in the literature in individuals affected with WRN-related conditions. This variant is not present in population databases (gnomAD no frequency). This sequence change replaces glutamic acid, which is acidic and polar, with lysine, which is basic and polar, at codon 1311 of the WRN protein (p.Glu1311Lys).

NM_000553.6(WRN):c.3931G>A (p.Glu1311Lys)

Gene: WRN (WRN RecQ like helicase; plus strand). Cytogenetic location: 8p12.
Variant type: single nucleotide variant.
Coding change: c.3931G>A on transcript NM_000553.6 (MANE Select); coding-DNA position 3931, G replaced by A.
Protein change: p.Glu1311Lys; replaces glutamic acid 1311 with lysine.
Molecular consequence: missense variant.
Genome position (GRCh38, 1-based): chr8:31,157,479, G>A. VCF-style: chr8-31157479-G-A. GRCh37 (hg19) VCF-style: chr8-31014995-G-A.
Other names: short protein forms E1311K.
Identifiers: ClinVar variation 2731042 (VCV002731042.3), dbSNP rs2536061881, ClinGen allele CA370929505.